The following is an entry in ClinVar:

ClinVar aggregate classification (germline): Uncertain significance (1 of 4 stars; one submission).

Allele frequency attached by ClinVar (database versions not stated): gnomAD exomes below 0.00001.
gnomAD v4.1: 2 of 1,614,108 alleles (0.00012%); highest among the groups gnomAD compares: Non-Finnish European, 0.00017%; no homozygotes.

Submission:

Labcorp Genetics (formerly Invitae), Labcorp
Classification: Uncertain significance. Last evaluated: 2022-02-03. Review status: criteria provided, single submitter. Criteria: Invitae Variant Classification Sherloc (09022015). Collection method: clinical testing. Allele origin: germline.
Comment: This sequence change falls in intron 38 of the CAD gene. It does not directly change the encoded amino acid sequence of the CAD protein. It affects a nucleotide within the consensus splice site. This variant is present in population databases (no rsID available, gnomAD 0.0009%). This variant has not been reported in the literature in individuals affected with CAD-related conditions. Variants that disrupt the consensus splice site are a relatively common cause of aberrant splicing (PMID: 17576681, 9536098). Algorithms developed to predict the effect of sequence changes on RNA splicing suggest that this variant is not likely to affect RNA splicing. In summary, the available evidence is currently insufficient to determine the role of this variant in disease. Therefore, it has been classified as a Variant of Uncertain Significance.

Literature cited by the submitters: PubMed 17576681; PubMed 9536098.

NM_004341.5(CAD):c.5883+6G>C

Gene: CAD (carbamoyl-phosphate synthetase 2, aspartate transcarbamylase, and dihydroorotase; plus strand). Cytogenetic location: 2p23.3.
Variant type: single nucleotide variant.
Coding change: c.5883+6G>C on transcript NM_004341.5 (MANE Select); 6 bases into the intron after coding-DNA position 5883, G replaced by C.
Molecular consequence: intron variant.
Genome position (GRCh38, 1-based): chr2:27,241,402, G>C. VCF-style: chr2-27241402-G-C. GRCh37 (hg19) VCF-style: chr2-27464270-G-C.
Other names: c.5694+6G>C (NM_001306079.2).
Identifiers: ClinVar variation 1525676 (VCV001525676.3), dbSNP rs1224791390, ClinGen allele CA531426062.
Genomic context (GRCh38, chr2:27,241,402, plus strand): 5'-GGCACACACACTGCGTATGATGGTGCAGAAGGAGCGGAGCCTCGACATCCTGAAGGTCAG[G>C]ATCAGGGCCGGGGGTAGGGTCCAGGCCATCGCCTGCCCTTGGGCCGCATCAGCGCAGGGC-3'